The following is an entry in ClinVar:

NM_007194.4(CHEK2):c.1500_1501delinsAT (p.Glu501Ter)

Gene: CHEK2 (checkpoint kinase 2; minus strand). Cytogenetic location: 22q12.1.
Variant type: Indel.
Coding change: c.1500_1501delinsAT on transcript NM_007194.4 (MANE Select); coding-DNA positions 1500 to 1501, TG replaced by AT.
Protein change: p.Glu501Ter; replaces glutamic acid 501 with a stop codon.
Molecular consequence: nonsense.
Genome position (GRCh38, 1-based): chr22:28,689,176-28,689,177, CA replaced by AT on the plus strand (TG replaced by AT on the coding strand, the reverse complement: CHEK2 is on the minus strand). VCF-style: chr22-28689176-CA-AT. GRCh37 (hg19) VCF-style: chr22-29085164-CA-AT.
Other names: c.1299_1300delTGinsAT, p.Glu434Ter (NM_001349956.3); c.1413_1414delTGinsAT, p.Glu472Ter (NM_145862.3); c.1629_1630delTGinsAT, p.Glu544Ter (NM_001005735.3); c.837_838delTGinsAT, p.Glu280Ter (NM_001257387.3); short protein forms E280*, E434*, E472*, E501*, E544*.
Identifiers: ClinVar variation 2583527 (VCV002583527.2), dbSNP rs2517757576, ClinGen allele CA2582342741.
Genomic context (GRCh38, chr22:28,689,176, plus strand): 5'-TCATCAGGAATACGAATACCTGGGCTAGAACCTGGGGTAGAGCTGTGGATTCATTTTCCT[CA>AT]GACAGAAGATCTTGAAACTTTCTCTTCATGTCTTCATCCTGTGAGGGAATTAAAAACATA-3'

ClinVar aggregate classification (germline): Pathogenic (1 of 4 stars; one submission).

Conditions:
Familial cancer of breast. Also called: Hereditary breast cancer; BREAST CANCER, FAMILIAL; hereditary breast carcinoma. Identifiers: Orphanet 227535, MedGen C0346153, MONDO:0016419, OMIM 114480. Disease mechanism: loss of function.

Submission:

Myriad Genetics, Inc.
Classification: Pathogenic for Familial cancer of breast. Last evaluated: 2023-06-29. Review status: criteria provided, single submitter. Criteria: Myriad Autosomal Dominant, Autosomal Recessive and X-Linked Classification Criteria (2023). Collection method: clinical testing. Allele origin: unknown.
Comment: This variant is considered pathogenic. This variant creates a termination codon and is predicted to result in premature protein truncation.